The following is an entry in ClinVar:

NM_000744.7(CHRNA4):c.1318G>C (p.Ala440Pro)

Gene: CHRNA4 (cholinergic receptor nicotinic alpha 4 subunit; minus strand). Cytogenetic location: 20q13.33.
Variant type: single nucleotide variant.
Coding change: c.1318G>C on transcript NM_000744.7 (MANE Select); coding-DNA position 1318, G replaced by C.
Protein change: p.Ala440Pro; replaces alanine 440 with proline.
Molecular consequence: missense variant. On other transcripts: non-coding transcript variant (1).
Genome position (GRCh38, 1-based): chr20:63,350,093, C>G on the plus strand (G>C on the coding strand, the complement: CHRNA4 is on the minus strand). VCF-style: chr20-63350093-C-G. GRCh37 (hg19) VCF-style: chr20-61981445-C-G.
Other names: c.790G>C, p.Ala264Pro (NM_001256573.2); c.1318G>C (NM_000744.5); short protein forms A264P, A440P.
Identifiers: ClinVar variation 833848 (VCV000833848.12), dbSNP rs771136225, ClinGen allele CA9957611.

ClinVar aggregate classification (germline): Conflicting classifications of pathogenicity. Review status: criteria provided, conflicting classifications (1 of 4 stars). 3 submissions from 3 submitters: Uncertain significance (1); Likely benign (2). Last evaluated 2024-06-05.

Conditions:
Familial sleep-related hypermotor epilepsy. Also called: Autosomal Dominant Sleep-Related Hypermotor (Hyperkinetic) Epilepsy. Identifiers: Orphanet 98784, MedGen C3696898, MONDO:0000030.
Inborn genetic diseases. Identifiers: MedGen C0950123, MeSH D030342.

Allele frequency attached by ClinVar (database versions not stated): gnomAD exomes 0.00001 and 0.00002; TOPMed 0.00001; gnomAD 0.00002 and 0.00003; ExAC 0.00005.
gnomAD v4.1: 11 of 1,528,752 alleles (0.00072%); highest among the groups gnomAD compares: East Asian, 0.019%; no homozygotes.

Submissions (3):

Labcorp Genetics (formerly Invitae), Labcorp
Classification: Likely benign. Last evaluated: 2024-06-05. Review status: criteria provided, single submitter. Criteria: Invitae Variant Classification Sherloc (09022015). Collection method: clinical testing. Allele origin: germline.

GeneDx
Classification: Uncertain significance. Last evaluated: 2023-12-15. Review status: criteria provided, single submitter. Criteria: GeneDx Variant Classification Process June 2021. Collection method: clinical testing. Allele origin: germline. Affected: yes.
Comment: In silico analysis supports that this missense variant does not alter protein structure/function; Has not been previously published as pathogenic or benign to our knowledge

Ambry Genetics
Classification: Likely benign for Inborn genetic diseases. Last evaluated: 2023-05-31. Review status: criteria provided, single submitter. Criteria: Ambry Variant Classification Scheme 2023. Collection method: clinical testing. Allele origin: germline.